The following is an entry in ClinVar:

NM_000051.4(ATM):c.3041C>A (p.Ala1014Asp)

Gene: ATM (ATM serine/threonine kinase; plus strand). Cytogenetic location: 11q22.3.
Variant type: single nucleotide variant.
Coding change: c.3041C>A on transcript NM_000051.4 (MANE Select); coding-DNA position 3041, C replaced by A.
Protein change: p.Ala1014Asp; replaces alanine 1014 with aspartic acid.
Molecular consequence: missense variant.
Genome position (GRCh38, 1-based): chr11:108,271,370, C>A. VCF-style: chr11-108271370-C-A. GRCh37 (hg19) VCF-style: chr11-108142097-C-A.
Other names: c.3041C>A, p.Ala1014Asp (NM_001351834.2); short protein forms A1014D.
Identifiers: ClinVar variation 2009079 (VCV002009079.4), dbSNP rs2135554281, ClinGen allele CA382547571.

ClinVar aggregate classification (germline): Uncertain significance (1 of 4 stars; one submission).

Conditions:
Ataxia-telangiectasia syndrome (AT). Also called: Cerebello-oculocutaneous telangiectasia; Immunodeficiency with ataxia telangiectasia; Ataxia telangiectasia (A-T); LOUIS-BAR SYNDROME; Ataxia-telangiectasia, complementation group D; AT, COMPLEMENTATION GROUP C. Identifiers: Orphanet 100, MedGen C0004135, MONDO:0008840, OMIM 208900.

Submission:

Labcorp Genetics (formerly Invitae), Labcorp
Classification: Uncertain significance for Ataxia-telangiectasia syndrome. Last evaluated: 2022-06-22. Review status: criteria provided, single submitter. Criteria: Invitae Variant Classification Sherloc (09022015). Collection method: clinical testing. Allele origin: germline.
Comment: In summary, the available evidence is currently insufficient to determine the role of this variant in disease. Therefore, it has been classified as a Variant of Uncertain Significance. Advanced modeling of protein sequence and biophysical properties (such as structural, functional, and spatial information, amino acid conservation, physicochemical variation, residue mobility, and thermodynamic stability) performed at Invitae indicates that this missense variant is not expected to disrupt ATM protein function. This sequence change replaces alanine, which is neutral and non-polar, with aspartic acid, which is acidic and polar, at codon 1014 of the ATM protein (p.Ala1014Asp). This variant is not present in population databases (gnomAD no frequency). This variant has not been reported in the literature in individuals affected with ATM-related conditions.